The following is an entry in ClinVar:

ClinVar aggregate classification (germline): Uncertain significance (1 of 4 stars; one submission).

Conditions:
Cardiovascular phenotype. Identifiers: MedGen CN230736.

Submission:

Ambry Genetics
Classification: Uncertain significance for Cardiovascular phenotype. Last evaluated: 2026-02-19. Review status: criteria provided, single submitter. Criteria: Ambry Variant Classification Scheme 2023. Collection method: clinical testing. Allele origin: germline.
Comment: The p.S298I variant (also known as c.893G>T), located in coding exon 2 of the GDF2 gene, results from a G to T substitution at nucleotide position 893. The serine at codon 298 is replaced by isoleucine, an amino acid with dissimilar properties. This amino acid position is conserved. Based on the available evidence, the clinical significance of this variant remains unclear.

NM_016204.4(GDF2):c.893G>T (p.Ser298Ile)

Gene: GDF2 (growth differentiation factor 2; plus strand). Cytogenetic location: 10q11.22.
Variant type: single nucleotide variant.
Coding change: c.893G>T on transcript NM_016204.4 (MANE Select); coding-DNA position 893, G replaced by T.
Protein change: p.Ser298Ile; replaces serine 298 with isoleucine.
Molecular consequence: missense variant.
Genome position (GRCh38, 1-based): chr10:47,325,387, G>T. VCF-style: chr10-47325387-G-T. GRCh37 (hg19) VCF-style: chr10-48413975-C-A.
Other names: short protein forms S298I.
Identifiers: ClinVar variation 4844439 (VCV004844439.1).
Genomic context (GRCh38, chr10:47,325,387, plus strand): 5'-ATGAACAAGAGAGCGTGCTCAAGAAGCTGTCCAAGGACGGCTCCACAGAGGCAGGTGAGA[G>T]CAGTCACGAGGAGGACACGGATGGCCACGTGGCTGCGGGGTCGACTTTAGCCAGGCGGAA-3'
Protein context (NP_057288.1, residues 288-308): SKDGSTEAGE[Ser298Ile]SHEEDTDGHV